The following is an entry in ClinVar:

ClinVar aggregate classification (germline): Conflicting classifications of pathogenicity. Review status: criteria provided, conflicting classifications (1 of 4 stars). 5 submissions from 5 submitters: Uncertain significance (1); Likely benign (3). 1 of the submissions does not count toward it. Last evaluated 2025-12-09.

Conditions:
Hereditary spastic paraplegia 49 (HSAN9). Also called: Spastic paraplegia 49, autosomal recessive; TECPR2-Related Hereditary Sensory and Autonomic Neuropathy with Intellectual Disability; NEUROPATHY, HEREDITARY SENSORY AND AUTONOMIC, TYPE IX, WITH DEVELOPMENTAL DELAY. Identifiers: Orphanet 320385, MedGen C5190860, MONDO:0014016, OMIM 615031.
Hereditary spastic paraplegia. Also called: Familial spastic paraparesis. Identifiers: Orphanet 685, MedGen C0037773, MONDO:0019064. Disease mechanism: loss of function.

Allele frequency attached by ClinVar (database versions not stated): gnomAD 0.00006; ESP Exome Variant Server 0.00008; TOPMed 0.00008; ExAC 0.00015.
gnomAD v4.1: 120 of 1,606,494 alleles (0.0075%); highest among the groups gnomAD compares: Admixed American, 0.027%; no homozygotes.

Submissions (5):

Labcorp Genetics (formerly Invitae), Labcorp
Classification: Likely benign for Hereditary spastic paraplegia 49. Last evaluated: 2025-12-09. Review status: criteria provided, single submitter. Criteria: Invitae Variant Classification Sherloc (09022015). Collection method: clinical testing. Allele origin: germline.

Mayo Clinic Laboratories, Mayo Clinic
Classification: Likely benign. Last evaluated: 2025-04-08. Review status: criteria provided, single submitter. Criteria: ACMG Guidelines, 2015. Collection method: clinical testing. Allele origin: germline. Observed: 1 variant allele.
Comment: BP4, BP7

Blueprint Genetics
Classification: Likely benign. Last evaluated: 2024-04-03. Review status: criteria provided, single submitter. Criteria: ACMG Guidelines, 2015. Collection method: clinical testing. Allele origin: germline.

Genome Diagnostics Laboratory, The Hospital for Sick Children
Classification: Uncertain significance for Hereditary spastic paraplegia. Last evaluated: 2019-06-01. Review status: criteria provided, single submitter. Criteria: ACMG Guidelines, 2015. Collection method: clinical testing. Allele origin: germline. Affected: yes.

Natera, Inc.
Classification: Likely benign for Autosomal recessive spastic paraplegia type 49. Last evaluated: 2020-09-16. Review status: no assertion criteria provided. Collection method: clinical testing. Allele origin: germline. Not counted in ClinVar's aggregate classification.

NM_014844.5(TECPR2):c.4065C>T (p.Ser1355=)

Gene: TECPR2 (tectonin beta-propeller repeat containing 2; plus strand). Cytogenetic location: 14q32.31.
Variant type: single nucleotide variant.
Coding change: c.4065C>T on transcript NM_014844.5 (MANE Select); coding-DNA position 4065, C replaced by T.
Protein change: p.Ser1355=; no amino-acid change (serine 1355 retained).
Molecular consequence: synonymous variant.
Genome position (GRCh38, 1-based): chr14:102,497,703, C>T. VCF-style: chr14-102497703-C-T. GRCh37 (hg19) VCF-style: chr14-102964040-C-T.
Other names: p.Ser1355=; c.4065C>T (NM_014844.4).
Identifiers: ClinVar variation 696092 (VCV000696092.18), dbSNP rs142318405, ClinGen allele CA7358450.